The following is an entry in ClinVar:

NM_006384.4(CIB1):c.215G>A (p.Arg72Gln)

Gene: CIB1 (calcium and integrin binding 1; minus strand). Cytogenetic location: 15q26.1.
Variant type: single nucleotide variant.
Coding change: c.215G>A on transcript NM_006384.4 (MANE Select); coding-DNA position 215, G replaced by A.
Protein change: p.Arg72Gln; replaces arginine 72 with glutamine.
Molecular consequence: missense variant. On other transcripts: non-coding transcript variant (2).
Genome position (GRCh38, 1-based): chr15:90,231,488, C>T on the plus strand (G>A on the coding strand, the complement: CIB1 is on the minus strand). VCF-style: chr15-90231488-C-T. GRCh37 (hg19) VCF-style: chr15-90774720-C-T.
Other names: c.335G>A, p.Arg112Gln (NM_001277764.2); short protein forms R72Q, R112Q.
Identifiers: ClinVar variation 1375453 (VCV001375453.8), dbSNP rs775605318, ClinGen allele CA7734259.

ClinVar aggregate classification (germline): Uncertain significance. Review status: criteria provided, multiple submitters, no conflicts (2 of 4 stars). 2 submissions from 2 submitters: Uncertain significance (2). Last evaluated 2024-10-15.

Allele frequency attached by ClinVar (database versions not stated): ExAC 0.00001; gnomAD 0.00001; gnomAD exomes 0.00001; TOPMed 0.00001.
gnomAD v4.1: 7 of 1,613,960 alleles (0.00043%); highest among the groups gnomAD compares: Admixed American, 0.005%; no homozygotes.

Submissions (2):

Labcorp Genetics (formerly Invitae), Labcorp
Classification: Uncertain significance. Last evaluated: 2024-10-15. Review status: criteria provided, single submitter. Criteria: Invitae Variant Classification Sherloc (09022015). Collection method: clinical testing. Allele origin: germline.
Comment: This sequence change replaces arginine, which is basic and polar, with glutamine, which is neutral and polar, at codon 112 of the CIB1 protein (p.Arg112Gln). This variant is present in population databases (rs775605318, gnomAD 0.006%). This variant has not been reported in the literature in individuals affected with CIB1-related conditions. ClinVar contains an entry for this variant (Variation ID: 1375453). Experimental studies and prediction algorithms are not available or were not evaluated, and the functional significance of this variant is currently unknown. In summary, the available evidence is currently insufficient to determine the role of this variant in disease. Therefore, it has been classified as a Variant of Uncertain Significance.

Breakthrough Genomics
Classification: Uncertain significance. Review status: criteria provided, single submitter. Criteria: ACMG Guidelines, 2015. Collection method: not provided. Allele origin: germline. Inheritance: Autosomal recessive inheritance. Affected: yes.